The following is an entry in ClinVar:

ClinVar aggregate classification (germline): Uncertain significance (1 of 4 stars; one submission).

Conditions:
Familial sleep-related hypermotor epilepsy. Also called: Autosomal Dominant Sleep-Related Hypermotor (Hyperkinetic) Epilepsy. Identifiers: Orphanet 98784, MedGen C3696898, MONDO:0000030.

Allele frequency attached by ClinVar (database versions not stated): gnomAD exomes below 0.00001; ExAC 0.00001; TOPMed 0.00001.

Submission:

Labcorp Genetics (formerly Invitae), Labcorp
Classification: Uncertain significance. Last evaluated: 2024-04-02. Review status: criteria provided, single submitter. Criteria: Invitae Variant Classification Sherloc (09022015). Collection method: clinical testing. Allele origin: germline.
Comment: This sequence change replaces proline, which is neutral and non-polar, with leucine, which is neutral and non-polar, at codon 102 of the CHRNA4 protein (p.Pro102Leu). This variant is present in population databases (rs759593635, gnomAD 0.006%). This variant has not been reported in the literature in individuals affected with CHRNA4-related conditions. ClinVar contains an entry for this variant (Variation ID: 1025372). Advanced modeling of protein sequence and biophysical properties (such as structural, functional, and spatial information, amino acid conservation, physicochemical variation, residue mobility, and thermodynamic stability) performed at Invitae indicates that this missense variant is expected to disrupt CHRNA4 protein function with a positive predictive value of 80%. In summary, the available evidence is currently insufficient to determine the role of this variant in disease. Therefore, it has been classified as a Variant of Uncertain Significance.

NM_000744.7(CHRNA4):c.305C>T (p.Pro102Leu)

Genes: CHRNA4 (cholinergic receptor nicotinic alpha 4 subunit; minus strand), LOC126863087 (P300/CBP strongly-dependent group 1 enhancer GRCh37_chr20:61986832-61988031; plus strand). Cytogenetic location: 20q13.33.
Variant type: single nucleotide variant.
Coding change: c.305C>T on transcript NM_000744.7 (MANE Select); coding-DNA position 305, C replaced by T.
Protein change: p.Pro102Leu; replaces proline 102 with leucine.
Molecular consequence: missense variant. On other transcripts: 5 prime UTR variant (1), non-coding transcript variant (1).
Genome position (GRCh38, 1-based): chr20:63,356,053, G>A on the plus strand (C>T on the coding strand, the complement: CHRNA4 is on the minus strand). VCF-style: chr20-63356053-G-A. GRCh37 (hg19) VCF-style: chr20-61987405-G-A.
Other names: c.-242C>T (NM_001256573.2); short protein forms P102L.
Identifiers: ClinVar variation 1025372 (VCV001025372.9), dbSNP rs759593635, ClinGen allele CA9957873.
Genomic context (GRCh38, chr20:63,356,053, plus strand): 5'-TCCGGCCGCCAGATGAGCTCGGAGGGGATGCGGATGGAGGTGACATTCTCATAGTCAGCT[G>A]GGTCCCAGCGCAGCTTGTAGTCGTGCCACTCCTGGATGAGGTGGGGCGGGGGGAGGCTGC-3'
Protein context (NP_000735.1, residues 92-112): EWHDYKLRWD[Pro102Leu]ADYENVTSIR